The following is an entry in ClinVar:

NM_001904.4(CTNNB1):c.1699GAA[3] (p.Glu568_Ile569insGlu)

Gene: CTNNB1 (catenin beta 1; plus strand). Cytogenetic location: 3p22.1.
Variant type: Microsatellite.
Coding change: c.1699GAA[3] on transcript NM_001904.4 (MANE Select); three copies in a row of the 3-base unit GAA starting at c.1699; the reference has two copies in a row; one copy, 3 bases duplicated.
Protein change: p.Glu568_Ile569insGlu.
Genome position (GRCh38, 1-based): chr3:41,235,742-41,235,744, GAA duplicated; duplicating any 3 consecutive bases within chr3:41,235,739-41,235,744 gives the same sequence; the position shown is the placement nearest the transcript's 3' end. VCF-style (leftmost placement, unchanged base first): chr3-41235738-G-GGAA. GRCh37 (hg19) VCF-style: chr3-41277229-G-GGAA.
Other names: c.1699GAA[3], p.Glu568_Ile569insGlu (NM_001098209.2, NM_001098210.2); c.1678GAA[3], p.Glu561_Ile562insGlu (NM_001330729.2).
Identifiers: ClinVar variation 3907938 (VCV003907938.1).

ClinVar aggregate classification (germline): Uncertain significance (1 of 4 stars; one submission).

Submission:

GeneDx
Classification: Uncertain significance. Last evaluated: 2024-12-24. Review status: criteria provided, single submitter. Criteria: GeneDx Variant Classification Process June 2021. Collection method: clinical testing. Allele origin: germline. Affected: yes.
Comment: Not observed at significant frequency in large population cohorts (gnomAD); In-frame duplication of one amino acid in a non-repeat region; Has not been previously published as pathogenic or benign to our knowledge